The following is an entry in ClinVar:

NM_002473.6(MYH9):c.1891G>A (p.Ala631Thr)

Gene: MYH9 (myosin heavy chain 9; minus strand). Cytogenetic location: 22q12.3.
Variant type: single nucleotide variant.
Coding change: c.1891G>A on transcript NM_002473.6 (MANE Select); coding-DNA position 1891, G replaced by A.
Protein change: p.Ala631Thr; replaces alanine 631 with threonine.
Molecular consequence: missense variant.
Genome position (GRCh38, 1-based): chr22:36,306,560, C>T on the plus strand (G>A on the coding strand, the complement: MYH9 is on the minus strand). VCF-style: chr22-36306560-C-T. GRCh37 (hg19) VCF-style: chr22-36702606-C-T.
Other names: c.1891G>A (NM_002473.4); short protein forms A631T.
Identifiers: ClinVar variation 2174434 (VCV002174434.6), dbSNP rs200546575, ClinGen allele CA323600076.

ClinVar aggregate classification (germline): Uncertain significance. Review status: criteria provided, multiple submitters, no conflicts (2 of 4 stars). 2 submissions from 2 submitters: Uncertain significance (2). Last evaluated 2025-11-06.

Conditions:
Inborn genetic diseases. Identifiers: MedGen C0950123, MeSH D030342.

Allele frequency attached by ClinVar (database versions not stated): gnomAD 0.00001; TOPMed 0.00001.
gnomAD v4.1: 11 of 1,613,838 alleles (0.00068%); highest among the groups gnomAD compares: South Asian, 0.0066%; 1 homozygote.

Submissions (2):

Ambry Genetics
Classification: Uncertain significance for Inborn genetic diseases. Last evaluated: 2025-11-06. Review status: criteria provided, single submitter. Criteria: Ambry Variant Classification Scheme 2023. Collection method: clinical testing. Allele origin: germline.

Labcorp Genetics (formerly Invitae), Labcorp
Classification: Uncertain significance. Last evaluated: 2024-10-26. Review status: criteria provided, single submitter. Criteria: Invitae Variant Classification Sherloc (09022015). Collection method: clinical testing. Allele origin: germline.
Comment: This sequence change replaces alanine, which is neutral and non-polar, with threonine, which is neutral and polar, at codon 631 of the MYH9 protein (p.Ala631Thr). This variant is present in population databases (rs200546575, gnomAD 0.005%). This variant has not been reported in the literature in individuals affected with MYH9-related conditions. ClinVar contains an entry for this variant (Variation ID: 2174434). Invitae Evidence Modeling of protein sequence and biophysical properties (such as structural, functional, and spatial information, amino acid conservation, physicochemical variation, residue mobility, and thermodynamic stability) indicates that this missense variant is not expected to disrupt MYH9 protein function with a negative predictive value of 95%. In summary, the available evidence is currently insufficient to determine the role of this variant in disease. Therefore, it has been classified as a Variant of Uncertain Significance.